The following is an entry in ClinVar:

NM_022455.5(NSD1):c.3055C>T (p.Arg1019Cys)

Gene: NSD1 (nuclear receptor binding SET domain protein 1; plus strand). Cytogenetic location: 5q35.3.
Variant type: single nucleotide variant.
Coding change: c.3055C>T on transcript NM_022455.5 (MANE Select); coding-DNA position 3055, C replaced by T.
Protein change: p.Arg1019Cys; replaces arginine 1019 with cysteine.
Molecular consequence: missense variant.
Genome position (GRCh38, 1-based): chr5:177,211,454, C>T. VCF-style: chr5-177211454-C-T. GRCh37 (hg19) VCF-style: chr5-176638455-C-T.
Other names: c.2182C>T, p.Arg728Cys (NM_001365684.2, NM_001409306.1, NM_001409307.1 and 3 more transcripts); c.3055C>T, p.Arg1019Cys (NM_001409301.1, NM_001409302.1, NM_001409303.1); c.2635C>T, p.Arg879Cys (NM_001409304.1); c.2302C>T, p.Arg768Cys (NM_001409305.1); short protein forms R1019C, R728C, R768C, R879C.
Identifiers: ClinVar variation 4281214 (VCV004281214.7).
Genomic context (GRCh38, chr5:177,211,454, plus strand): 5'-CTGTCCGACAAGAGAGACCTCCCTGCTTCTGGTAAAAGTCGTTCAGACTGTGTTACTAGG[C>T]GCAACTGTGGACGATCAAAGCCTTCATCCAAATTGCGAGATGCTTTTTCAGCCCAAATGG-3'
Protein context (NP_071900.2, residues 1009-1029): GKSRSDCVTR[Arg1019Cys]NCGRSKPSSK

ClinVar aggregate classification (germline): Likely benign (1 of 4 stars; one submission).

gnomAD v4.1: 4 of 1,613,974 alleles (0.00025%); highest among the groups gnomAD compares: Non-Finnish European, 0.00034%; no homozygotes.

Submission:

CeGaT Center for Human Genetics Tuebingen
Classification: Likely benign. Last evaluated: 2025-09-01. Review status: criteria provided, single submitter. Criteria: CeGaT Center For Human Genetics Tuebingen Variant Classification Criteria Version 2. Collection method: clinical testing. Allele origin: germline. Affected: yes. Observed: 1 variant allele.
Comment: NSD1: BS2